The following is an entry in ClinVar:

ClinVar aggregate classification (germline): Uncertain significance (1 of 4 stars; one submission).

Conditions:
Charcot-Marie-Tooth disease type 4. Also called: Charcot-Marie-Tooth disease, type IV; Charcot-Marie-Tooth, Type 4. Identifiers: Orphanet 64749, MedGen C4082197, MONDO:0018995.

Allele frequency attached by ClinVar (database versions not stated): gnomAD exomes below 0.00001.
gnomAD v4.1: 1 of 1,613,278 alleles (0.000062%); highest among the groups gnomAD compares: African/African-American, 0.0013%; no homozygotes.

Submission:

Labcorp Genetics (formerly Invitae), Labcorp
Classification: Uncertain significance for Charcot-Marie-Tooth disease type 4. Last evaluated: 2022-12-02. Review status: criteria provided, single submitter. Criteria: Invitae Variant Classification Sherloc (09022015). Collection method: clinical testing. Allele origin: germline.
Comment: Algorithms developed to predict the effect of missense changes on protein structure and function (SIFT, PolyPhen-2, Align-GVGD) all suggest that this variant is likely to be tolerated. This sequence change replaces aspartic acid, which is acidic and polar, with histidine, which is basic and polar, at codon 589 of the FIG4 protein (p.Asp589His). This variant is not present in population databases (gnomAD no frequency). This variant has not been reported in the literature in individuals affected with FIG4-related conditions. ClinVar contains an entry for this variant (Variation ID: 1467038). In summary, the available evidence is currently insufficient to determine the role of this variant in disease. Therefore, it has been classified as a Variant of Uncertain Significance.

NM_014845.6(FIG4):c.1765G>C (p.Asp589His)

Gene: FIG4 (FIG4 phosphoinositide 5-phosphatase; plus strand). Cytogenetic location: 6q21.
Variant type: single nucleotide variant.
Coding change: c.1765G>C on transcript NM_014845.6 (MANE Select); coding-DNA position 1765, G replaced by C.
Protein change: p.Asp589His; replaces aspartic acid 589 with histidine.
Molecular consequence: missense variant.
Genome position (GRCh38, 1-based): chr6:109,776,936, G>C. VCF-style: chr6-109776936-G-C. GRCh37 (hg19) VCF-style: chr6-110098139-G-C.
Other names: short protein forms D589H.
Identifiers: ClinVar variation 1467038 (VCV001467038.6), dbSNP rs1777637029, ClinGen allele CA365229924.